The following is an entry in ClinVar:

ClinVar aggregate classification (germline): Likely benign. Review status: criteria provided, multiple submitters, no conflicts (2 of 4 stars). 2 submissions from 2 submitters: Likely benign (2). Last evaluated 2025-10-12.

Conditions:
Cardiovascular phenotype. Identifiers: MedGen CN230736.

gnomAD v4.1: 2 of 1,612,892 alleles (0.00012%); highest among the groups gnomAD compares: Non-Finnish European, 0.00017%; no homozygotes.

Submissions (2):

Ambry Genetics
Classification: Likely benign for Cardiovascular phenotype. Last evaluated: 2025-10-12. Review status: criteria provided, single submitter. Criteria: Ambry Variant Classification Scheme 2023. Collection method: clinical testing. Allele origin: germline.

Mayo Clinic Laboratories, Mayo Clinic
Classification: Likely benign. Last evaluated: 2025-06-12. Review status: criteria provided, single submitter. Criteria: ACMG Guidelines, 2015. Collection method: clinical testing. Allele origin: germline. Observed: 1 variant allele.
Comment: BP4, BP7, PM2_supporting

NM_001365276.2(TNXB):c.8754C>T (p.Gly2918=)

Gene: TNXB (tenascin XB; minus strand). Cytogenetic location: 6p21.33.
Variant type: single nucleotide variant.
Coding change: c.8754C>T on transcript NM_001365276.2 (MANE Select); coding-DNA position 8754, C replaced by T.
Protein change: p.Gly2918=; no amino-acid change (glycine 2918 retained).
Molecular consequence: synonymous variant.
Genome position (GRCh38, 1-based): chr6:32,053,425, G>A on the plus strand (C>T on the coding strand, the complement: TNXB is on the minus strand). VCF-style: chr6-32053425-G-A. GRCh37 (hg19) VCF-style: chr6-32021202-G-A.
Other names: p.Gly2916=; c.9495C>T, p.Gly3165= (NM_001428335.1); c.8748C>T, p.Gly2916= (NM_019105.8).
Identifiers: ClinVar variation 4615152 (VCV004615152.2).